The following continues an entry in ClinVar:

NM_005633.4(SOS1):c.1656G>C (p.Arg552Ser)

Gene: SOS1. ClinVar aggregate classification (germline): Pathogenic. Pathogenic (1).

Submissions 12 to 15 of 15:

Center for Genomics, Ann and Robert H. Lurie Children's Hospital of Chicago
Classification: Pathogenic for Noonan syndrome 4; Fibromatosis, gingival, 1. Review status: criteria provided, single submitter. Criteria: ACMG Guidelines, 2015. Collection method: clinical testing. Allele origin: germline. Not counted in ClinVar's aggregate classification.
Comment: SOS1 NM_005633.3 exon 10 p.Arg552Ser (c.1656G>C): This variant has been reported in the literature in several individuals with Noonan syndrome, including two cases reported to be de novo (Tartaglia 2007 PMID:17143282, Ko 2008 PMID:19020799, Beneteau 2009 PMID:19352411, Lepri 2011 PMID:21387466, Quaio 2013 PMID:24037001, Croonen 2013 PMID:23885229). This variant is not present in large control databases but is present in ClinVar, with several labs classifying this variant as pathogenic (Variation ID:12872). Evolutionary conservation and computational predictive tools suggest that this variant may impact the protein. Another variant (c.1656G>T) that gives rise to the same protein change (p.Arg552Ser) has also been reported in several individuals with Noonan syndrome (Zenker 2007 PMID:17586837, Narumi 2008 PMID:18651097, Neumann 2009 PMID:18854871). Additionally, several other variants at this amino acid position (p.Arg552Gly, p.Arg552Lys, p.Arg552Met, p.Arg552Thr, p.Arg552Trp) have also been reported in individuals with Noonan syndrome, supporting the potential functional relevance of this codon. In summary, this variant is classified as pathogenic based on the data above.

Institute for Genomic Statistics and Bioinformatics, University Hospital Bonn
Classification: Pathogenic for Noonan syndrome 1. Review status: criteria provided, single submitter. Criteria: ACMG Guidelines, 2015. Collection method: clinical testing. Allele origin: unknown. Affected: yes. Observed: 1 variant allele. Not counted in ClinVar's aggregate classification.

ARUP Laboratories, Molecular Genetics and Genomics, ARUP Laboratories
Classification: Pathogenic for Noonan syndrome. Last evaluated: 2012-06-08. Review status: no assertion criteria provided. Collection method: clinical testing. Allele origin: germline. Affected: yes. Observed: 1 variant allele. Not counted in ClinVar's aggregate classification.

OMIM
Classification: Pathogenic for NOONAN SYNDROME 4. Last evaluated: 2008-11-15. Review status: no assertion criteria provided. Collection method: literature only. Allele origin: germline. Not counted in ClinVar's aggregate classification.

Literature cited by the submitters: PubMed 23885229 (cited by 3 submitters); PubMed 28378436 (cited by ClinGen RASopathy Variant Curation Expert Panel); PubMed 27304678 (cited by ClinGen RASopathy Variant Curation Expert Panel); PubMed 29625050 (cited by ClinGen RASopathy Variant Curation Expert Panel); PubMed 18925667 (cited by ClinGen RASopathy Variant Curation Expert Panel and OMIM); PubMed 19020799 (cited by ClinGen RASopathy Variant Curation Expert Panel and Labcorp Genetics (formerly Invitae), Labcorp); PubMed 22465605 (cited by ClinGen RASopathy Variant Curation Expert Panel); PubMed 21784453 (cited by ClinGen RASopathy Variant Curation Expert Panel); PubMed 17143282 (cited by 4 submitters); PubMed 26297936 (cited by ClinGen RASopathy Variant Curation Expert Panel); PubMed 29696744 (cited by ClinGen RASopathy Variant Curation Expert Panel); PubMed 25862627 (cited by ClinGen RASopathy Variant Curation Expert Panel); PubMed 21387466 (cited by 3 submitters); PubMed 22488759 (cited by ClinGen RASopathy Variant Curation Expert Panel); PubMed 19352411 (cited by 4 submitters); PubMed 22190897 (cited by ClinGen RASopathy Variant Curation Expert Panel and Labcorp Genetics (formerly Invitae), Labcorp); PubMed 17586837 (cited by Labcorp Genetics (formerly Invitae), Labcorp and Women's Health and Genetics/Laboratory Corporation of America, LabCorp); PubMed 18651097 (cited by Labcorp Genetics (formerly Invitae), Labcorp); PubMed 18854871 (cited by Labcorp Genetics (formerly Invitae), Labcorp); PubMed 24037001 (cited by Labcorp Genetics (formerly Invitae), Labcorp); PubMed 20305546 (cited by Laboratory for Molecular Medicine, Mass General Brigham Personalized Medicine).